The following is an entry in ClinVar:

NM_004369.4(COL6A3):c.1355G>A (p.Gly452Asp)

Gene: COL6A3 (collagen type VI alpha 3 chain; minus strand). Cytogenetic location: 2q37.3.
Variant type: single nucleotide variant.
Coding change: c.1355G>A on transcript NM_004369.4 (MANE Select); coding-DNA position 1355, G replaced by A.
Protein change: p.Gly452Asp; replaces glycine 452 with aspartic acid.
Molecular consequence: missense variant.
Genome position (GRCh38, 1-based): chr2:237,381,457, C>T on the plus strand (G>A on the coding strand, the complement: COL6A3 is on the minus strand). VCF-style: chr2-237381457-C-T. GRCh37 (hg19) VCF-style: chr2-238290100-C-T.
Other names: c.134G>A, p.Gly45Asp (NM_057164.5, NM_057166.5); c.737G>A, p.Gly246Asp (NM_057165.5, NM_057167.4); short protein forms G452D, G45D, G246D.
Identifiers: ClinVar variation 1470292 (VCV001470292.6), dbSNP rs777078456, ClinGen allele CA2189637.

ClinVar aggregate classification (germline): Uncertain significance (1 of 4 stars; one submission).

Conditions:
Bethlem myopathy 1A. Also called: Bethlem myopathy 1; Bethlem Muscular Dystrophy; MYOPATHY, BENIGN CONGENITAL, WITH CONTRACTURES. Identifiers: Orphanet 610, MedGen CN029274, MONDO:0024530, OMIM 158810.

Allele frequency attached by ClinVar (database versions not stated): gnomAD exomes below 0.00001; TOPMed below 0.00001; ExAC 0.00001.

Submission:

Labcorp Genetics (formerly Invitae), Labcorp
Classification: Uncertain significance for Bethlem myopathy 1A. Last evaluated: 2024-11-13. Review status: criteria provided, single submitter. Criteria: Invitae Variant Classification Sherloc (09022015). Collection method: clinical testing. Allele origin: germline.
Comment: This sequence change replaces glycine, which is neutral and non-polar, with aspartic acid, which is acidic and polar, at codon 452 of the COL6A3 protein (p.Gly452Asp). The frequency data for this variant in the population databases is considered unreliable, as metrics indicate poor data quality at this position in the gnomAD database. This variant has not been reported in the literature in individuals affected with COL6A3-related conditions. ClinVar contains an entry for this variant (Variation ID: 1470292). Invitae Evidence Modeling of protein sequence and biophysical properties (such as structural, functional, and spatial information, amino acid conservation, physicochemical variation, residue mobility, and thermodynamic stability) has been performed for this missense variant. However, the output from this modeling did not meet the statistical confidence thresholds required to predict the impact of this variant on COL6A3 protein function. In summary, the available evidence is currently insufficient to determine the role of this variant in disease. Therefore, it has been classified as a Variant of Uncertain Significance.